The following is an entry in ClinVar:

NM_001244008.2(KIF1A):c.3786G>A (p.Met1262Ile)

Genes: KIF1A (kinesin family member 1A; minus strand), LOC126806583 (P300/CBP strongly-dependent group 1 enhancer GRCh37_chr2:241678910-241680109; plus strand). Cytogenetic location: 2q37.3.
Variant type: single nucleotide variant.
Coding change: c.3786G>A on transcript NM_001244008.2 (MANE Select); coding-DNA position 3786, G replaced by A.
Protein change: p.Met1262Ile; replaces methionine 1262 with isoleucine.
Molecular consequence: missense variant.
Genome position (GRCh38, 1-based): chr2:240,740,328, C>T on the plus strand (G>A on the coding strand, the complement: KIF1A is on the minus strand). VCF-style: chr2-240740328-C-T. GRCh37 (hg19) VCF-style: chr2-241679745-C-T.
Other names: c.3510G>A, p.Met1170Ile (NM_001320705.2, NM_001330289.2, NM_001379638.1); c.3585G>A, p.Met1195Ile (NM_001330290.2, NM_001379634.1, NM_001379635.1 and 1 more transcripts); c.3861G>A, p.Met1287Ile (NM_001379631.1); c.3735G>A, p.Met1245Ile (NM_001379632.1); c.3759G>A, p.Met1253Ile (NM_001379633.1, NM_001379642.1, NM_001379645.1); c.3483G>A, p.Met1161Ile (NM_001379636.1, NM_001379639.1, NM_001379641.1 and 5 more transcripts); c.3558G>A, p.Met1186Ile (NM_001379637.1, NM_001379648.1); c.3480G>A, p.Met1160Ile (NM_001379640.1); short protein forms M1160I, M1186I, M1287I, M1161I, M1195I, M1253I, M1170I, M1245I.
Identifiers: ClinVar variation 1492274 (VCV001492274.8), dbSNP rs2125745911, ClinGen allele CA351314843.

ClinVar aggregate classification (germline): Uncertain significance (1 of 4 stars; one submission).

Conditions:
Hereditary spastic paraplegia 30. Identifiers: Orphanet 101010, MedGen C5235139, MONDO:0012476.
Neuropathy, hereditary sensory, type 2C. Also called: KIF1A-Related HSAN2 (HSAN2C); Hereditary sensory and autonomic neuropathy type IIC. Identifiers: Orphanet 970, MedGen C3280168, MONDO:0013634, OMIM 614213.
Intellectual disability, autosomal dominant 9 (NESCAVS). Also called: KIF1A-Related Neurodevelopmental Disorder; NESCAV SYNDROME. Identifiers: Orphanet 662367, MedGen C5393830, MONDO:0013656, OMIM 614255.

Allele frequency attached by ClinVar (database versions not stated): gnomAD exomes below 0.00001.

Submission:

Labcorp Genetics (formerly Invitae), Labcorp
Classification: Uncertain significance for Hereditary spastic paraplegia 30; Neuropathy, hereditary sensory, type 2C; Intellectual disability, autosomal dominant 9. Last evaluated: 2025-11-26. Review status: criteria provided, single submitter. Criteria: Invitae Variant Classification Sherloc (09022015). Collection method: clinical testing. Allele origin: germline.
Comment: This sequence change replaces methionine, which is neutral and non-polar, with isoleucine, which is neutral and non-polar, at codon 1161 of the KIF1A protein (p.Met1161Ile). This variant is not present in population databases (gnomAD no frequency). This variant has not been reported in the literature in individuals affected with KIF1A-related conditions. ClinVar contains an entry for this variant (Variation ID: 1492274). Invitae Evidence Modeling of protein sequence and biophysical properties (such as structural, functional, and spatial information, amino acid conservation, physicochemical variation, residue mobility, and thermodynamic stability) indicates that this missense variant is not expected to disrupt KIF1A protein function with a negative predictive value of 95%. In summary, the available evidence is currently insufficient to determine the role of this variant in disease. Therefore, it has been classified as a Variant of Uncertain Significance.